The following is an entry in ClinVar:

NM_004304.5(ALK):c.3645+2T>G

Gene: ALK (ALK receptor tyrosine kinase; minus strand). Cytogenetic location: 2p23.2.
Variant type: single nucleotide variant.
Coding change: c.3645+2T>G on transcript NM_004304.5 (MANE Select); the canonical splice donor site of the intron after coding-DNA position 3645, T replaced by G.
Molecular consequence: splice donor variant.
Genome position (GRCh38, 1-based): chr2:29,220,704, A>C on the plus strand (T>G on the coding strand, the complement: ALK is on the minus strand). VCF-style: chr2-29220704-A-C. GRCh37 (hg19) VCF-style: chr2-29443570-A-C.
Other names: c.441+2T>G (NM_001353765.2).
Identifiers: ClinVar variation 538227 (VCV000538227.7), dbSNP rs1553393848, ClinGen allele CA346472944.

ClinVar aggregate classification (germline): Uncertain significance (1 of 4 stars; one submission).

Conditions:
Neuroblastoma, susceptibility to, 3. Also called: ALK-Related Neuroblastic Tumor Susceptibility. Identifiers: Orphanet 635, MedGen C2751681, MONDO:0013083, OMIM 613014.

Submission:

Labcorp Genetics (formerly Invitae), Labcorp
Classification: Uncertain significance for Neuroblastoma, susceptibility to, 3. Last evaluated: 2017-10-30. Review status: criteria provided, single submitter. Criteria: Invitae Variant Classification Sherloc (09022015). Collection method: clinical testing. Allele origin: germline.
Comment: In summary, the available evidence is currently insufficient to determine the role of this variant in disease. Therefore, it has been classified as a Variant of Uncertain Significance. The current clinical and genetic evidence is not sufficient to establish whether loss-of-function variants in ALK cause disease. Algorithms developed to predict the effect of sequence changes on RNA splicing suggest that this variant may disrupt the consensus splice site, but this prediction has not been confirmed by published transcriptional studies. This variant has not been reported in the literature in individuals with ALK-related disease. This variant is not present in population databases (ExAC no frequency). This sequence change affects a donor splice site in intron 23 of the ALK gene. It is expected to disrupt RNA splicing and likely results in an absent or disrupted protein product.